The following is an entry in ClinVar:

NM_001369268.1(ACAN):c.2866G>A (p.Gly956Arg)

Gene: ACAN (aggrecan; plus strand). Cytogenetic location: 15q26.1.
Variant type: single nucleotide variant.
Coding change: c.2866G>A on transcript NM_001369268.1 (MANE Select); coding-DNA position 2866, G replaced by A.
Protein change: p.Gly956Arg; replaces glycine 956 with arginine.
Molecular consequence: missense variant.
Genome position (GRCh38, 1-based): chr15:88,855,451, G>A. VCF-style: chr15-88855451-G-A. GRCh37 (hg19) VCF-style: chr15-89398682-G-A.
Other names: c.2866G>A, p.Gly956Arg (NM_001135.4, NM_001411096.1, NM_001411097.1 and 1 more transcripts); short protein forms G956R.
Identifiers: ClinVar variation 3372550 (VCV003372550.1).

ClinVar aggregate classification (germline): Uncertain significance (1 of 4 stars; one submission).

Submission:

GeneDx
Classification: Uncertain significance. Last evaluated: 2024-05-01. Review status: criteria provided, single submitter. Criteria: GeneDx Variant Classification Process June 2021. Collection method: clinical testing. Allele origin: germline. Affected: yes.
Comment: Not observed at significant frequency in large population cohorts (gnomAD); In silico analysis supports that this missense variant has a deleterious effect on protein structure/function; Has not been previously published as pathogenic or benign to our knowledge